The following is an entry in ClinVar:

NM_006922.4(SCN3A):c.2565+4dup

Gene: SCN3A (sodium voltage-gated channel alpha subunit 3; minus strand). Cytogenetic location: 2q24.3.
Variant type: Duplication.
Coding change: c.2565+4dup on transcript NM_006922.4 (MANE Select); 4 bases into the intron after coding-DNA position 2565, one base duplicated (T; older notation c.2565+4dupT).
Molecular consequence: intron variant.
Genome position (GRCh38, 1-based): chr2:165,131,240, A duplicated on the plus strand (T on the coding strand, the reverse complement: SCN3A is on the minus strand). VCF-style (leftmost placement, unchanged base first): chr2-165131239-G-GA. GRCh37 (hg19) VCF-style: chr2-165987749-G-GA.
Other names: c.2418+4dup (NM_001081676.2, NM_001081677.2).
Identifiers: ClinVar variation 3650152 (VCV003650152.2).
Genomic context (GRCh38, chr2:165,131,239, plus strand): 5'-ACATTGATTCAATTTCAAAATAAATGTTGTGCCAATGAGCGACAGGGATATATATAAATA[G>GA]ATACCAGTCTGAATGATCGCAGTACAGACAATCCCTCCACATTTGACAGACCAAGCTCCA-3'

ClinVar aggregate classification (germline): Uncertain significance (1 of 4 stars; one submission).

Submission:

Labcorp Genetics (formerly Invitae), Labcorp
Classification: Uncertain significance. Last evaluated: 2024-06-21. Review status: criteria provided, single submitter. Criteria: Invitae Variant Classification Sherloc (09022015). Collection method: clinical testing. Allele origin: germline.
Comment: This sequence change falls in intron 16 of the SCN3A gene. It does not directly change the encoded amino acid sequence of the SCN3A protein. It affects a nucleotide within the consensus splice site. This variant is not present in population databases (gnomAD no frequency). This variant has not been reported in the literature in individuals affected with SCN3A-related conditions. Variants that disrupt the consensus splice site are a relatively common cause of aberrant splicing (PMID: 17576681, 9536098). Algorithms developed to predict the effect of sequence changes on RNA splicing suggest that this variant is not likely to affect RNA splicing. In summary, the available evidence is currently insufficient to determine the role of this variant in disease. Therefore, it has been classified as a Variant of Uncertain Significance.

Literature cited by the submitters: PubMed 17576681; PubMed 9536098.